The following is an entry in ClinVar:

ClinVar aggregate classification (germline): Conflicting classifications of pathogenicity. Review status: criteria provided, conflicting classifications (1 of 4 stars). 2 submissions from 2 submitters: Likely pathogenic (1); Uncertain significance (1). Last evaluated 2026-08-27.

Conditions:
Hereditary nonpolyposis colorectal neoplasms. Identifiers: MedGen C0009405, MeSH D003123.
Hereditary cancer-predisposing syndrome. Also called: Hereditary Cancer Syndrome; Neoplastic Syndromes, Hereditary; Hereditary neoplastic syndrome; Tumor predisposition. Identifiers: Orphanet 140162, MedGen C0027672, MeSH D009386, MONDO:0015356.

Allele frequency attached by ClinVar (database versions not stated): TOPMed below 0.00001; gnomAD 0.00001.
gnomAD v4.1: 1 of 1,613,992 alleles (0.000062%); highest among the groups gnomAD compares: East Asian, 0.0022%; no homozygotes.

Submissions (2):

Ambry Genetics
Classification: Likely pathogenic for Hereditary cancer-predisposing syndrome. Last evaluated: 2026-08-27. Review status: criteria provided, single submitter. Criteria: Ambry Variant Classification Scheme 2023. Collection method: clinical testing. Allele origin: germline.
Comment: The p.W777C variant (also known as c.2331G>T), located in coding exon 4 of the MSH6 gene, results from a G to T substitution at nucleotide position 2331. The tryptophan at codon 777 is replaced by cysteine, an amino acid with highly dissimilar properties. Another variant at the same codon, p.W777R (c.2329T>A), has been identified in individual(s) with features consistent with Lynch syndrome (Ambry internal data). This amino acid position is highly conserved in available vertebrate species. In addition, this alteration is predicted to be deleterious by in silico analysis. Based on the majority of available evidence to date, this variant is likely to be pathogenic.

Labcorp Genetics (formerly Invitae), Labcorp
Classification: Uncertain significance for Hereditary nonpolyposis colorectal neoplasms. Last evaluated: 2023-05-25. Review status: criteria provided, single submitter. Criteria: Invitae Variant Classification Sherloc (09022015). Collection method: clinical testing. Allele origin: germline.
Comment: In summary, the available evidence is currently insufficient to determine the role of this variant in disease. Therefore, it has been classified as a Variant of Uncertain Significance. Advanced modeling of protein sequence and biophysical properties (such as structural, functional, and spatial information, amino acid conservation, physicochemical variation, residue mobility, and thermodynamic stability) performed at Invitae indicates that this missense variant is expected to disrupt MSH6 protein function. ClinVar contains an entry for this variant (Variation ID: 1428821). This variant has not been reported in the literature in individuals affected with MSH6-related conditions. This variant is not present in population databases (gnomAD no frequency). This sequence change replaces tryptophan, which is neutral and slightly polar, with cysteine, which is neutral and slightly polar, at codon 777 of the MSH6 protein (p.Trp777Cys).

NM_000179.3(MSH6):c.2331G>T (p.Trp777Cys)

Gene: MSH6 (mutS homolog 6; plus strand). Cytogenetic location: 2p16.3.
Variant type: single nucleotide variant.
Coding change: c.2331G>T on transcript NM_000179.3 (MANE Select); coding-DNA position 2331, G replaced by T.
Protein change: p.Trp777Cys; replaces tryptophan 777 with cysteine.
Molecular consequence: missense variant.
Genome position (GRCh38, 1-based): chr2:47,800,314, G>T. VCF-style: chr2-47800314-G-T. GRCh37 (hg19) VCF-style: chr2-48027453-G-T.
Other names: c.2331G>T (NM_000179.2); c.1941G>T, p.Trp647Cys (NM_001281492.2); c.1425G>T, p.Trp475Cys (NM_001281493.2, NM_001281494.2); short protein forms W647C, W475C, W777C.
Identifiers: ClinVar variation 1428821 (VCV001428821.9), dbSNP rs876660037, ClinGen allele CA346753359.
Genomic context (GRCh38, chr2:47,800,314, plus strand): 5'-CCTACTAGAGAGGGTTGATACTTGCCATACTCCTTTTGGTAAGCGGCTCCTAAAGCAATG[G>T]CTTTGTGCCCCACTCTGTAACCATTATGCTATTAATGATCGTCTAGATGCCATAGAAGAC-3'
Protein context (NP_000170.1, residues 767-787): TPFGKRLLKQ[Trp777Cys]LCAPLCNHYA